The following is an entry in ClinVar:

NM_001267550.2(TTN):c.70952T>G (p.Ile23651Ser)

Genes: TTN-AS1 (TTN antisense RNA 1; plus strand), TTN (titin; minus strand). Cytogenetic location: 2q31.2.
Variant type: single nucleotide variant.
Coding change: c.70952T>G on transcript NM_001267550.2 (MANE Select); coding-DNA position 70952, T replaced by G.
Protein change: p.Ile23651Ser; replaces isoleucine 23651 with serine.
Molecular consequence: missense variant.
Genome position (GRCh38, 1-based): chr2:178,575,180, A>C on the plus strand (T>G on the coding strand, the complement: TTN is on the minus strand). VCF-style: chr2-178575180-A-C. GRCh37 (hg19) VCF-style: chr2-179439907-A-C.
Other names: p.I22010S:ATC>AGC; p.Ile22010Ser; c.44132T>G, p.Ile14711Ser (NM_133432.3); c.44333T>G, p.Ile14778Ser (NM_133437.4); c.66029T>G, p.Ile22010Ser (NM_001256850.1); c.43757T>G, p.Ile14586Ser (NM_003319.4); c.63248T>G, p.Ile21083Ser (NM_133378.4); short protein forms I21083S, I23651S, I22010S, I14586S, I14778S, I14711S.
Identifiers: ClinVar variation 165854 (VCV000165854.59), dbSNP rs149075285, ClinGen allele CA178526.

ClinVar aggregate classification (germline): Conflicting classifications of pathogenicity. Review status: criteria provided, conflicting classifications (1 of 4 stars). 17 submissions from 13 submitters: Uncertain significance (3); Benign (4); Likely benign (9). 1 of the submissions does not count toward it. Last evaluated 2026-09-01.

Conditions:
TTN-related disorder. Also called: TTN-related disorders; TTN-related condition; TTN-related disease.
Cardiovascular phenotype. Identifiers: MedGen CN230736.
Autosomal recessive limb-girdle muscular dystrophy type 2J (LGMDR10). Also called: Limb-girdle muscular dystrophy, type 2J; MUSCULAR DYSTROPHY, LIMB-GIRDLE, AUTOSOMAL RECESSIVE 10. Identifiers: Orphanet 140922, MedGen C1837342, MONDO:0012127, OMIM 608807.
Dilated cardiomyopathy 1G (CMD1G). Identifiers: Orphanet 154, MedGen C1858763, MONDO:0011400, OMIM 604145.
Myopathy, myofibrillar, 9, with early respiratory failure (MFM9). Also called: EDSTROM MYOPATHY; MYOPATHY, PROXIMAL, WITH EARLY RESPIRATORY MUSCLE INVOLVEMENT; Hereditary myopathy with early respiratory failure; Myopathy, distal, with early respiratory failure, autosomal dominant. Identifiers: Orphanet 178464, Orphanet 34521, MedGen C1863599, MONDO:0011362, OMIM 603689.
Tibial muscular dystrophy (TMD). Also called: Udd Distal Myopathy – Tibial Muscular Dystrophy; Tibial muscular dystrophy, tardive; UDD MYOPATHY. Identifiers: Orphanet 609, MedGen C1838244, MONDO:0010870, OMIM 600334.
Early-onset myopathy with fatal cardiomyopathy (CMYO5). Also called: Salih Myopathy; CONGENITAL MYOPATHY 5 WITH CARDIOMYOPATHY. Identifiers: Orphanet 289377, MedGen C2673677, MONDO:0012714, OMIM 611705. Disease mechanism: loss of function.

Allele frequency attached by ClinVar (database versions not stated): gnomAD exomes 0.00061; ExAC 0.00075; ESP Exome Variant Server 0.00237; 1000 Genomes Project 0.00240; gnomAD 0.00243 and 0.00263; TOPMed 0.00277; 1000 Genomes Project 30x 0.00281.
gnomAD v4.1: 733 of 1,612,710 alleles (0.045%); highest among the groups gnomAD compares: African/African-American, 0.84%; 3 homozygotes.

Submissions (17):

CeGaT Center for Human Genetics Tuebingen
Classification: Likely benign. Last evaluated: 2026-09-01. Review status: criteria provided, single submitter. Criteria: CeGaT Center For Human Genetics Tuebingen Variant Classification Criteria Version 2. Collection method: clinical testing. Allele origin: germline. Affected: yes. Observed: 5 variant alleles.
Comment: TTN: BS2

Labcorp Genetics (formerly Invitae), Labcorp
Classification: Benign for Dilated cardiomyopathy 1G; Autosomal recessive limb-girdle muscular dystrophy type 2J. Last evaluated: 2026-01-28. Review status: criteria provided, single submitter. Criteria: Invitae Variant Classification Sherloc (09022015). Collection method: clinical testing. Allele origin: germline.

Molecular Diagnostic Laboratory for Inherited Cardiovascular Disease, Montreal Heart Institute
Classification: Likely benign. Last evaluated: 2025-04-09. Review status: criteria provided, single submitter. Criteria: ACMG Guidelines, 2015. Collection method: clinical testing. Allele origin: germline. Affected: no.

Blueprint Genetics
Classification: Likely benign. Last evaluated: 2024-10-04. Review status: criteria provided, single submitter. Criteria: ACMG Guidelines, 2015. Collection method: clinical testing. Allele origin: germline.

Mayo Clinic Laboratories, Mayo Clinic
Classification: Likely benign. Last evaluated: 2023-10-30. Review status: criteria provided, single submitter. Criteria: ACMG Guidelines, 2015. Collection method: clinical testing. Allele origin: germline. Observed: 9 variant alleles.

ARUP Laboratories, Molecular Genetics and Genomics, ARUP Laboratories
Classification: Likely benign. Last evaluated: 2023-10-14. Review status: criteria provided, single submitter. Criteria: ARUP Molecular Germline Variant Investigation Process 2024. Collection method: clinical testing. Allele origin: germline.

Women's Health and Genetics/Laboratory Corporation of America, LabCorp
Classification: Likely benign. Last evaluated: 2023-04-26. Review status: criteria provided, single submitter. Criteria: LabCorp Variant Classification Summary - May 2015. Collection method: clinical testing. Allele origin: germline.

GeneDx
Classification: Likely benign. Last evaluated: 2020-09-01. Review status: criteria provided, single submitter. Criteria: GeneDx Variant Classification Process June 2021. Collection method: clinical testing. Allele origin: germline. Affected: yes.

Illumina Laboratory Services, Illumina
Classification: Uncertain significance for Dilated cardiomyopathy 1G. Last evaluated: 2018-01-13. Review status: criteria provided, single submitter. Criteria: ICSL Variant Classification Criteria 13 December 2019. Collection method: clinical testing. Allele origin: germline.

Illumina Laboratory Services, Illumina
Classification: Uncertain significance for Autosomal recessive limb-girdle muscular dystrophy type 2J. Last evaluated: 2018-01-13. Review status: criteria provided, single submitter. Criteria: ICSL Variant Classification Criteria 13 December 2019. Collection method: clinical testing. Allele origin: germline.

Illumina Laboratory Services, Illumina
Classification: Benign for Tibial muscular dystrophy. Last evaluated: 2018-01-13. Review status: criteria provided, single submitter. Criteria: ICSL Variant Classification Criteria 13 December 2019. Collection method: clinical testing. Allele origin: germline.
Comment: This variant was observed in the ICSL laboratory as part of a predisposition screen in an ostensibly healthy population. It had not been previously curated by ICSL or reported in the Human Gene Mutation Database (HGMD: prior to June 1st, 2018), and was therefore a candidate for classification through an automated scoring system. Utilizing variant allele frequency, disease prevalence and penetrance estimates, and inheritance mode, an automated score was calculated to assess if this variant is too frequent to cause the disease. Based on the score and internal cut-off values, a variant classified as benign is not then subjected to further curation. The score for this variant resulted in a classification of benign for this disease.

Illumina Laboratory Services, Illumina
Classification: Benign for Myopathy, myofibrillar, 9, with early respiratory failure. Last evaluated: 2018-01-13. Review status: criteria provided, single submitter. Criteria: ICSL Variant Classification Criteria 13 December 2019. Collection method: clinical testing. Allele origin: germline.
Comment: the same text as in the submission from Illumina Laboratory Services, Illumina above.

Illumina Laboratory Services, Illumina
Classification: Uncertain significance for Early-onset myopathy with fatal cardiomyopathy. Last evaluated: 2018-01-13. Review status: criteria provided, single submitter. Criteria: ICSL Variant Classification Criteria 13 December 2019. Collection method: clinical testing. Allele origin: germline.

Ambry Genetics
Classification: Benign for Cardiovascular phenotype. Last evaluated: 2016-01-11. Review status: criteria provided, single submitter. Criteria: Ambry Variant Classification Scheme 2023. Collection method: clinical testing. Allele origin: germline.

Laboratory for Molecular Medicine, Mass General Brigham Personalized Medicine
Classification: Likely benign. Last evaluated: 2015-10-31. Review status: criteria provided, single submitter. Criteria: LMM Criteria. Collection method: clinical testing. Allele origin: germline. Observed: 5 variant alleles.
Comment: p.Ile21083Ser in exon 275 of TTN: This variant is not expected to have clinical significance because it has been identified in 0.8% (78/9470) of African chromos omes by the Exome Aggregation Consortium (ExAC; dbSNP rs149075285).

Eurofins Ntd Llc (ga)
Classification: Likely benign. Last evaluated: 2015-09-08. Review status: criteria provided, single submitter. Criteria: EGL Classification Definitions 2015. Collection method: clinical testing. Allele origin: germline. Observed: 1 variant allele, 1 heterozygote.

PreventionGenetics, part of Exact Sciences
Classification: Benign for TTN-related condition. Last evaluated: 2021-08-19. Review status: no assertion criteria provided. Collection method: clinical testing. Allele origin: germline. Not counted in ClinVar's aggregate classification.
Comment: This variant is classified as benign based on ACMG/AMP sequence variant interpretation guidelines (Richards et al. 2015 PMID: 25741868, with internal and published modifications).